The following is an entry in ClinVar:

ClinVar aggregate classification (germline): Uncertain significance (1 of 4 stars; one submission).

Conditions:
Hypertrophic cardiomyopathy 26. Also called: Cardiomyopathy, familial hypertrophic, 26. Identifiers: Orphanet 75249, MedGen C4310749, MONDO:0014883, OMIM 617047.
Distal myopathy with posterior leg and anterior hand involvement. Also called: WILLIAMS DISTAL MYOPATHY. Identifiers: Orphanet 63273, MedGen C3279722, MONDO:0013550, OMIM 614065.
Myofibrillar myopathy 5. Also called: Filaminopathy (type); FILAMINOPATHY, AUTOSOMAL DOMINANT. Identifiers: Orphanet 171445, MedGen C1836050, MONDO:0012289, OMIM 609524.

gnomAD v4.1: 2 of 1,613,794 alleles (0.00012%); highest among the groups gnomAD compares: East Asian, 0.0022%; no homozygotes.

Submission:

Labcorp Genetics (formerly Invitae), Labcorp
Classification: Uncertain significance for Distal myopathy with posterior leg and anterior hand involvement; Myofibrillar myopathy 5; Hypertrophic cardiomyopathy 26. Last evaluated: 2024-04-04. Review status: criteria provided, single submitter. Criteria: Invitae Variant Classification Sherloc (09022015). Collection method: clinical testing. Allele origin: germline.
Comment: This sequence change replaces serine, which is neutral and polar, with asparagine, which is neutral and polar, at codon 2714 of the FLNC protein (p.Ser2714Asn). This variant is present in population databases (rs777626362, gnomAD 0.006%). This variant has not been reported in the literature in individuals affected with FLNC-related conditions. Advanced modeling of protein sequence and biophysical properties (such as structural, functional, and spatial information, amino acid conservation, physicochemical variation, residue mobility, and thermodynamic stability) performed at Invitae indicates that this missense variant is not expected to disrupt FLNC protein function with a negative predictive value of 95%. In summary, the available evidence is currently insufficient to determine the role of this variant in disease. Therefore, it has been classified as a Variant of Uncertain Significance.

NM_001458.5(FLNC):c.8141G>A (p.Ser2714Asn)

Genes: FLNC-AS1 (FLNC antisense RNA 1; minus strand), FLNC (filamin C; plus strand). Cytogenetic location: 7q32.1.
Variant type: single nucleotide variant.
Coding change: c.8141G>A on transcript NM_001458.5 (MANE Select); coding-DNA position 8141, G replaced by A.
Protein change: p.Ser2714Asn; replaces serine 2714 with asparagine.
Molecular consequence: missense variant.
Genome position (GRCh38, 1-based): chr7:128,858,486, G>A. VCF-style: chr7-128858486-G-A. GRCh37 (hg19) VCF-style: chr7-128498540-G-A.
Other names: c.8042G>A, p.Ser2681Asn (NM_001127487.2); short protein forms S2681N, S2714N.
Identifiers: ClinVar variation 3760999 (VCV003760999.2).